The following is an entry in ClinVar:

ClinVar aggregate classification (germline): Conflicting classifications of pathogenicity. Review status: criteria provided, conflicting classifications (1 of 4 stars). 2 submissions from 2 submitters: Likely pathogenic (1); Uncertain significance (1). Last evaluated 2025-12-19.

Conditions:
Autosomal recessive limb-girdle muscular dystrophy type 2J (LGMDR10). Also called: Limb-girdle muscular dystrophy, type 2J; MUSCULAR DYSTROPHY, LIMB-GIRDLE, AUTOSOMAL RECESSIVE 10. Identifiers: Orphanet 140922, MedGen C1837342, MONDO:0012127, OMIM 608807.
Dilated cardiomyopathy 1G (CMD1G). Identifiers: Orphanet 154, MedGen C1858763, MONDO:0011400, OMIM 604145.

Allele frequency attached by ClinVar (database versions not stated): gnomAD exomes below 0.00001.
gnomAD v4.1: 1 of 1,602,224 alleles (0.000062%); highest among the groups gnomAD compares: Non-Finnish European, 0.000085%; no homozygotes.

Submissions (2):

Labcorp Genetics (formerly Invitae), Labcorp
Classification: Likely pathogenic for Dilated cardiomyopathy 1G; Autosomal recessive limb-girdle muscular dystrophy type 2J. Last evaluated: 2025-12-19. Review status: criteria provided, single submitter. Criteria: Invitae Variant Classification Sherloc (09022015). Collection method: clinical testing. Allele origin: germline.
Comment: This sequence change affects a donor splice site in intron 360 of the TTN gene. It is expected to disrupt RNA splicing and likely results in a truncated or disrupted TTN protein. This variant is not present in population databases (gnomAD no frequency). This variant has not been reported in the literature in individuals affected with TTN-related conditions. ClinVar contains an entry for this variant (Variation ID: 229574). Algorithms developed to predict the effect of sequence changes on RNA splicing suggest that this variant may disrupt the consensus splice site. This variant is located in the M band of TTN (PMID: 25589632). Truncating variants in this region have been previously reported in individuals affected with autosomal dominant or autosomal recessive myopathy and muscular dystrophy (PMID: 18948003, 23975875, 24395473). Truncating variants in this region have also been identified in individuals affected with autosomal dominant dilated cardiomyopathy and/or cardio-related conditions (PMID: 27869827, 32964742, internal data). In summary, the currently available evidence indicates that the variant is pathogenic, but additional data are needed to prove that conclusively. Therefore, this variant has been classified as Likely Pathogenic.

Laboratory for Molecular Medicine, Mass General Brigham Personalized Medicine
Classification: Uncertain significance. Last evaluated: 2018-05-10. Review status: criteria provided, single submitter. Criteria: LMM Criteria. Collection method: clinical testing. Allele origin: germline. Observed: 1 variant allele.
Comment: proposed classification - variant undergoing re-assessment, contact laboratory

Literature cited by the submitters: PubMed 25589632 (cited by Labcorp Genetics (formerly Invitae), Labcorp); PubMed 18948003 (cited by Labcorp Genetics (formerly Invitae), Labcorp); PubMed 23975875 (cited by Labcorp Genetics (formerly Invitae), Labcorp); PubMed 24395473 (cited by Labcorp Genetics (formerly Invitae), Labcorp); PubMed 27869827 (cited by Labcorp Genetics (formerly Invitae), Labcorp); PubMed 32964742 (cited by Labcorp Genetics (formerly Invitae), Labcorp).

NM_001267550.2(TTN):c.107223+1G>A

Genes: TTN (titin; minus strand), TTN-AS1 (TTN antisense RNA 1; plus strand). Cytogenetic location: 2q31.2.
Variant type: single nucleotide variant.
Coding change: c.107223+1G>A on transcript NM_001267550.2 (MANE Select); the canonical splice donor site of the intron after coding-DNA position 107223, G replaced by A.
Molecular consequence: splice donor variant.
Genome position (GRCh38, 1-based): chr2:178,528,527, C>T on the plus strand (G>A on the coding strand, the complement: TTN is on the minus strand). VCF-style: chr2-178528527-C-T. GRCh37 (hg19) VCF-style: chr2-179393254-C-T.
Other names: c.80028+1G>A (NM_003319.4); c.80604+1G>A (NM_133437.4); c.80403+1G>A (NM_133432.3); c.99519+1G>A (NM_133378.4); c.102300+1G>A (NM_001256850.1).
Identifiers: ClinVar variation 229574 (VCV000229574.13), dbSNP rs876658102, ClinGen allele CA10576446.